The following is an entry in ClinVar:

ClinVar aggregate classification (germline): Likely benign. Review status: criteria provided, multiple submitters, no conflicts (2 of 4 stars). 2 submissions from 2 submitters: Likely benign (2). Last evaluated 2026-09-01.

Submissions (2):

CeGaT Center for Human Genetics Tuebingen
Classification: Likely benign. Last evaluated: 2026-09-01. Review status: criteria provided, single submitter. Criteria: CeGaT Center For Human Genetics Tuebingen Variant Classification Criteria Version 2. Collection method: clinical testing. Allele origin: germline. Affected: yes. Observed: 1 variant allele.
Comment: NKX6-2: PM2:Supporting, BP4, BP7

Labcorp Genetics (formerly Invitae), Labcorp
Classification: Likely benign. Last evaluated: 2024-02-24. Review status: criteria provided, single submitter. Criteria: Invitae Variant Classification Sherloc (09022015). Collection method: clinical testing. Allele origin: germline.

NM_177400.3(NKX6-2):c.282G>C (p.Gly94=)

Gene: NKX6-2 (NK6 homeobox 2; minus strand). Cytogenetic location: 10q26.3.
Variant type: single nucleotide variant.
Coding change: c.282G>C on transcript NM_177400.3 (MANE Select); coding-DNA position 282, G replaced by C.
Protein change: p.Gly94=; no amino-acid change (glycine 94 retained).
Molecular consequence: synonymous variant.
Genome position (GRCh38, 1-based): chr10:132,785,667, C>G on the plus strand (G>C on the coding strand, the complement: NKX6-2 is on the minus strand). VCF-style: chr10-132785667-C-G. GRCh37 (hg19) VCF-style: chr10-134599171-C-G.
Identifiers: ClinVar variation 1936014 (VCV001936014.6), dbSNP rs1374078035, ClinGen allele CA471962844.